The following is an entry in ClinVar:

NM_004415.4(DSP):c.21C>T (p.Ser7=)

Genes: DSP (desmoplakin; plus strand), DSP-AS1 (DSP antisense RNA 1; minus strand). Cytogenetic location: 6p24.3.
Variant type: single nucleotide variant.
Coding change: c.21C>T on transcript NM_004415.4 (MANE Select); coding-DNA position 21, C replaced by T.
Protein change: p.Ser7=; no amino-acid change (serine 7 retained).
Molecular consequence: synonymous variant.
Genome position (GRCh38, 1-based): chr6:7,541,936, C>T. VCF-style: chr6-7541936-C-T. GRCh37 (hg19) VCF-style: chr6-7542169-C-T.
Other names: c.21C>T, p.Ser7= (NM_001008844.3, NM_001319034.2).
Identifiers: ClinVar variation 504990 (VCV000504990.14), dbSNP rs750532252, ClinGen allele CA032203.
Genomic context (GRCh38, chr6:7,541,936, plus strand): 5'-ATGCCTCGGCGCTGAGCCGCTCTCCCGATTGCCCGCCGACATGAGCTGCAACGGAGGCTC[C>T]CACCCGCGGATCAACACTCTGGGCCGCATGATCCGCGCCGAGTCTGGCCCGGACCTGCGC-3'
Protein context (NP_004406.2, residues 1-17): MSCNGG[Ser7=]HPRINTLGRM

ClinVar aggregate classification (germline): Benign/Likely benign. Review status: criteria provided, multiple submitters, no conflicts (2 of 4 stars). 5 submissions from 5 submitters: Benign (1); Likely benign (4). Last evaluated 2024-03-31.

Conditions:
Cardiovascular phenotype. Identifiers: MedGen CN230736.
Arrhythmogenic cardiomyopathy with wooly hair and keratoderma. Also called: Carvajal syndrome; Dilated cardiomyopathy with woolly hair and keratoderma; Arrhythmogenic cardiomyopathy with woolly hair and keratoderma; PALMOPLANTAR KERATODERMA WITH LEFT VENTRICULAR CARDIOMYOPATHY AND WOOLLY HAIR. Identifiers: Orphanet 65282, MedGen C1854063, MONDO:0011581, OMIM 605676.
Arrhythmogenic right ventricular dysplasia 8 (ARVD8). Also called: Arrhythmogenic Right Ventricular Dysplasia/Cardiomyopathy 8; ARRHYTHMOGENIC RIGHT VENTRICULAR DYSPLASIA, FAMILIAL, 8; ARRHYTHMOGENIC RIGHT VENTRICULAR CARDIOMYOPATHY 8. Identifiers: MedGen C1843896, MONDO:0011831, OMIM 607450.
Cardiomyopathy (CMYO). Also called: Cardiomyopathies. Identifiers: Orphanet 167848, MedGen C0878544, MONDO:0004994, HP:0001638. Inheritance: Various modes of inheritance.

Allele frequency attached by ClinVar (database versions not stated): gnomAD exomes 0.00001 and 0.00003; ExAC 0.00002.
gnomAD v4.1: 9 of 1,608,878 alleles (0.00056%); highest among the groups gnomAD compares: Admixed American, 0.012%; no homozygotes.

Submissions (5):

Ambry Genetics
Classification: Likely benign for Cardiovascular phenotype. Last evaluated: 2024-03-31. Review status: criteria provided, single submitter. Criteria: Ambry Variant Classification Scheme 2023. Collection method: clinical testing. Allele origin: germline.

All of Us Research Program, National Institutes of Health
Classification: Likely benign for Arrhythmogenic cardiomyopathy with wooly hair and keratoderma. Last evaluated: 2024-03-24. Review status: criteria provided, single submitter. Criteria: ACMG Guidelines, 2015. Collection method: clinical testing. Allele origin: germline. Inheritance: Autosomal dominant inheritance. Observed: 2 variant alleles, 2 heterozygotes.
Comment: This study involves interpretation of variants in research participants for the purpose of population health screening. Participant phenotype was not available at the time of variant classification. Additional details can be found in publication PMID: 35346344, PMCID: PMC8962531

Labcorp Genetics (formerly Invitae), Labcorp
Classification: Benign for Arrhythmogenic cardiomyopathy with wooly hair and keratoderma; Arrhythmogenic right ventricular dysplasia 8. Last evaluated: 2023-09-05. Review status: criteria provided, single submitter. Criteria: Invitae Variant Classification Sherloc (09022015). Collection method: clinical testing. Allele origin: germline.

Color Diagnostics, LLC DBA Color Health
Classification: Likely benign for Cardiomyopathy. Last evaluated: 2021-03-16. Review status: criteria provided, single submitter. Criteria: ACMG Guidelines, 2015. Collection method: clinical testing. Allele origin: germline.

Laboratory for Molecular Medicine, Mass General Brigham Personalized Medicine
Classification: Likely benign. Last evaluated: 2016-05-06. Review status: criteria provided, single submitter. Criteria: LMM Criteria. Collection method: clinical testing. Allele origin: germline. Observed: 1 variant allele.
Comment: p.Ser7Ser in exon 1 of DSP: This variant is not expected to have clinical signif icance because it does not alter an amino acid residue and is not located within the splice consensus sequence. It has been identified in 2/8472 of Latino chrom osomes by the Exome Aggregation Consortium (ExAC ; dbSNP rs750532252).